The following is an entry in ClinVar:

ClinVar aggregate classification (germline): Uncertain significance (1 of 4 stars; one submission).

Conditions:
Autosomal dominant nocturnal frontal lobe epilepsy 5. Also called: Epilepsy, nocturnal frontal lobe, 5; CILIARY DYSKINESIA, PRIMARY, 28, WITHOUT SITUS INVERSUS; CILIARY DYSKINESIA, PRIMARY, 28, WITH SITUS INVERSUS; KCNT1-Related Epilepsy. Identifiers: Orphanet 98784, MedGen C3554306, MONDO:0014002, OMIM 615005.
Developmental and epileptic encephalopathy, 14 (DEE14). Also called: Early infantile epileptic encephalopathy 14. Identifiers: Orphanet 293181, MedGen C3554195, MONDO:0013989, OMIM 614959.

Allele frequency attached by ClinVar (database versions not stated): gnomAD exomes below 0.00001; TOPMed below 0.00001.
gnomAD v4.1: 5 of 1,478,554 alleles (0.00034%); highest among the groups gnomAD compares: Non-Finnish European, 0.00045%; no homozygotes.

Submission:

Labcorp Genetics (formerly Invitae), Labcorp
Classification: Uncertain significance for Autosomal dominant nocturnal frontal lobe epilepsy 5; Developmental and epileptic encephalopathy, 14. Last evaluated: 2020-03-24. Review status: criteria provided, single submitter. Criteria: Invitae Variant Classification Sherloc (09022015). Collection method: clinical testing. Allele origin: germline.
Comment: Algorithms developed to predict the effect of sequence changes on RNA splicing suggest that this variant may create or strengthen a splice site, but this prediction has not been confirmed by published transcriptional studies. Algorithms developed to predict the effect of missense changes on protein structure and function are either unavailable or do not agree on the potential impact of this missense change (SIFT: "Deleterious"; PolyPhen-2: "Probably Damaging"; Align-GVGD: "Class C0"). This variant has not been reported in the literature in individuals with KCNT1-related conditions. This variant is not present in population databases (ExAC no frequency). This sequence change replaces arginine with glutamine at codon 993 of the KCNT1 protein (p.Arg993Gln). The arginine residue is highly conserved and there is a small physicochemical difference between arginine and glutamine. In summary, the available evidence is currently insufficient to determine the role of this variant in disease. Therefore, it has been classified as a Variant of Uncertain Significance.

NM_020822.3(KCNT1):c.2978G>A (p.Arg993Gln)

Gene: KCNT1 (potassium sodium-activated channel subfamily T member 1; plus strand). Cytogenetic location: 9q34.3.
Variant type: single nucleotide variant.
Coding change: c.2978G>A on transcript NM_020822.3 (MANE Select); coding-DNA position 2978, G replaced by A.
Protein change: p.Arg993Gln; replaces arginine 993 with glutamine.
Molecular consequence: missense variant.
Genome position (GRCh38, 1-based): chr9:135,784,569, G>A. VCF-style: chr9-135784569-G-A. GRCh37 (hg19) VCF-style: chr9-138676415-G-A.
Other names: c.2843G>A, p.Arg948Gln (NM_001272003.2); short protein forms R948Q, R993Q.
Identifiers: ClinVar variation 859000 (VCV000859000.10), dbSNP rs1833885872, ClinGen allele CA375517919.
Genomic context (GRCh38, chr9:135,784,569, plus strand): 5'-CCCTCCCTCCCTCCCTCCCTGGCCAGTCCTTCGTGAAGGACTACATGATCACCATCACCC[G>A]GCTGCTGCTGGGCCTGGACACCACGCCGGGCTCGGGGTACCTCTGTGCCGTAAGTGCCCC-3'
Protein context (NP_065873.2, residues 983-1003): FVKDYMITIT[Arg993Gln]LLLGLDTTPG